The following is an entry in ClinVar:

NM_002941.4(ROBO1):c.4520T>G (p.Val1507Gly)

Gene: ROBO1 (roundabout guidance receptor 1; minus strand). Cytogenetic location: 3p12.3.
Variant type: single nucleotide variant.
Coding change: c.4520T>G on transcript NM_002941.4 (MANE Select); coding-DNA position 4520, T replaced by G.
Protein change: p.Val1507Gly; replaces valine 1507 with glycine.
Molecular consequence: missense variant.
Genome position (GRCh38, 1-based): chr3:78,606,957, A>C on the plus strand (T>G on the coding strand, the complement: ROBO1 is on the minus strand). VCF-style: chr3-78606957-A-C. GRCh37 (hg19) VCF-style: chr3-78656107-A-C.
Other names: NC_000003.11:g.78656107A>C; c.4220T>G, p.Val1407Gly (NM_001145845.2); c.4385T>G, p.Val1462Gly (NM_133631.4); short protein forms V1407G, V1462G, V1507G.
Identifiers: ClinVar variation 3341907 (VCV003341907.17).

ClinVar aggregate classification (germline): Uncertain significance (1 of 4 stars; one submission).

Submissions (2):

CeGaT Center for Human Genetics Tuebingen
Classification: Uncertain significance. Last evaluated: 2024-08-01. Review status: criteria provided, single submitter. Criteria: CeGaT Center For Human Genetics Tuebingen Variant Classification Criteria Version 2. Collection method: clinical testing. Allele origin: germline. Affected: yes. Observed: 1 variant allele.
Comment: ROBO1: PM2, BP4

Dr. Peter K. Rogan Lab, Western University
No classification provided (evidence only). Condition: Ovarian serous cystadenocarcinoma. Review status: no classification provided. Collection method: in vitro. Allele origin: not applicable. Functional consequence: retained intron. Not counted in ClinVar's aggregate classification.